The following is an entry in ClinVar:

NM_000203.5(IDUA):c.135dup (p.Phe46fs)

Genes: IDUA (alpha-L-iduronidase; plus strand), SLC26A1 (solute carrier family 26 member 1; minus strand). Cytogenetic location: 4p16.3.
Variant type: Duplication.
Coding change: c.135dup on transcript NM_000203.5 (MANE Select); coding-DNA position 135, one base duplicated (C; older notation c.135dupC).
Protein change: p.Phe46fs; shifts the reading frame from phenylalanine 46.
Molecular consequence: frameshift variant. On other transcripts: non-coding transcript variant (1), intron variant (1).
Genome position (GRCh38, 1-based): chr4:987,219, C duplicated. VCF-style (leftmost placement, unchanged base first): chr4-987218-G-GC. GRCh37 (hg19) VCF-style: chr4-981006-G-GC.
Other names: c.576+3909dup (NM_134425.4); short protein forms F46fs.
Identifiers: ClinVar variation 5012159 (VCV005012159.1).

ClinVar aggregate classification (germline): Pathogenic (1 of 4 stars; one submission).

Conditions:
Mucopolysaccharidosis type 1. Also called: IDUA deficiency; MPS I; Mucopolysaccharidosis Type I. Identifiers: Orphanet 579, MedGen C0023786, MONDO:0001586.

Submission:

Myriad Genetics, Inc.
Classification: Pathogenic for Mucopolysaccharidosis type 1. Last evaluated: 2023-09-27. Review status: criteria provided, single submitter. Criteria: Myriad Autosomal Dominant, Autosomal Recessive and X-Linked Classification Criteria (2023). Collection method: clinical testing. Allele origin: unknown.
Comment: NM_000203.3(IDUA):c.135dupC(F46Lfs*17) is expected to be pathogenic in the context of mucopolysaccharidosis type I. This variant is predicted to lead to an abnormal or absent protein product due to the creation of a premature termination codon in IDUA, a gene where loss-of-function variants are known to be pathogenic. Please note: this variant was assessed in the context of healthy population screening.